The following is an entry in ClinVar:

ClinVar aggregate classification (germline): Likely benign (1 of 4 stars; one submission).

Allele frequency attached by ClinVar (database versions not stated): gnomAD 0.00001; TOPMed 0.00001.
gnomAD v4.1: 10 of 1,522,372 alleles (0.00066%); highest among the groups gnomAD compares: African/African-American, 0.0014%; no homozygotes.

Submission:

CeGaT Center for Human Genetics Tuebingen
Classification: Likely benign. Last evaluated: 2023-10-01. Review status: criteria provided, single submitter. Criteria: CeGaT Center For Human Genetics Tuebingen Variant Classification Criteria Version 2. Collection method: clinical testing. Allele origin: germline. Affected: yes. Observed: 1 variant allele.
Comment: STK35: BP4, BP7

NM_080836.4(STK35):c.180C>T (p.Ala60=)

Genes: STK35 (serine/threonine kinase 35; plus strand), LOC130065299 (ATAC-STARR-seq lymphoblastoid silent region 12599; plus strand). Cytogenetic location: 20p13.
Variant type: single nucleotide variant.
Coding change: c.180C>T on transcript NM_080836.4 (MANE Select); coding-DNA position 180, C replaced by T.
Protein change: p.Ala60=; no amino-acid change (alanine 60 retained).
Molecular consequence: synonymous variant.
Genome position (GRCh38, 1-based): chr20:2,102,061, C>T. VCF-style: chr20-2102061-C-T. GRCh37 (hg19) VCF-style: chr20-2082707-C-T.
Identifiers: ClinVar variation 2652142 (VCV002652142.24), dbSNP rs914645476, ClinGen allele CA310456907.